The following is an entry in ClinVar:

ClinVar aggregate classification (germline): Uncertain significance (1 of 4 stars; one submission).

Submission:

Labcorp Genetics (formerly Invitae), Labcorp
Classification: Uncertain significance. Last evaluated: 2026-01-16. Review status: criteria provided, single submitter. Criteria: Invitae Variant Classification Sherloc (09022015). Collection method: clinical testing. Allele origin: germline.
Comment: This sequence change falls in intron 4 of the GNPTG gene. It does not directly change the encoded amino acid sequence of the GNPTG protein. It affects a nucleotide within the consensus splice site. This variant is not present in population databases (gnomAD no frequency). This variant has been observed in individual(s) with clinical features of mucolipidosis III gamma (internal data). ClinVar contains an entry for this variant (Variation ID: 1042466). Variants that disrupt the consensus splice site are a relatively common cause of aberrant splicing (PMID: 17576681, 9536098). Algorithms developed to predict the effect of sequence changes on RNA splicing suggest that this variant may disrupt the consensus splice site. In summary, the available evidence is currently insufficient to determine the role of this variant in disease. Therefore, it has been classified as a Variant of Uncertain Significance.

Literature cited by the submitters: PubMed 17576681; PubMed 9536098.

NM_032520.5(GNPTG):c.233+2dup

Gene: GNPTG (N-acetylglucosamine-1-phosphate transferase subunit gamma; plus strand). Cytogenetic location: 16p13.3.
Variant type: Duplication.
Coding change: c.233+2dup on transcript NM_032520.5 (MANE Select); the canonical splice donor site of the intron after coding-DNA position 233, one base duplicated (T; older notation c.233+2dupT).
Molecular consequence: splice donor variant.
Genome position (GRCh38, 1-based): chr16:1,361,799, T duplicated. VCF-style (leftmost placement, unchanged base first): chr16-1361798-G-GT. GRCh37 (hg19) VCF-style: chr16-1411799-G-GT.
Identifiers: ClinVar variation 1042466 (VCV001042466.3), dbSNP rs2034886088, ClinGen allele CA2201613860.